The following is an entry in ClinVar:

NM_001692.4(ATP6V1B1):c.1267G>T (p.Gly423Trp)

Gene: ATP6V1B1 (ATPase H+ transporting V1 subunit B1; plus strand). Cytogenetic location: 2p13.3.
Variant type: single nucleotide variant.
Coding change: c.1267G>T on transcript NM_001692.4 (MANE Select); coding-DNA position 1267, G replaced by T.
Protein change: p.Gly423Trp; replaces glycine 423 with tryptophan.
Molecular consequence: missense variant.
Genome position (GRCh38, 1-based): chr2:70,964,754, G>T. VCF-style: chr2-70964754-G-T. GRCh37 (hg19) VCF-style: chr2-71191884-G-T.
Other names: short protein forms G423W.
Identifiers: ClinVar variation 4686870 (VCV004686870.1).

ClinVar aggregate classification (germline): Uncertain significance (1 of 4 stars; one submission).

Submission:

GeneDx
Classification: Uncertain significance. Last evaluated: 2025-07-22. Review status: criteria provided, single submitter. Criteria: GeneDx Variant Classification Process June 2021. Collection method: clinical testing. Allele origin: germline. Affected: yes.
Comment: Not observed at significant frequency in large population cohorts (gnomAD); In silico analysis supports that this missense variant has a deleterious effect on protein structure/function; Has not been previously published as pathogenic or benign to our knowledge